The following is an entry in ClinVar:

ClinVar aggregate classification (germline): Uncertain significance (1 of 4 stars; one submission).

Conditions:
MKS1-related disorder. Also called: MKS1-related disorders; MKS1-related condition. Identifiers: MedGen CN239382.

Submission:

PreventionGenetics, part of Exact Sciences
Classification: Uncertain significance for MKS1-related condition. Last evaluated: 2026-04-21. Review status: criteria provided, single submitter. Criteria: ACMG Guidelines, 2015. Collection method: clinical testing. Allele origin: germline.
Comment: The MKS1 c.914T>C variant is predicted to result in the amino acid substitution p.Met305Thr. To our knowledge, this variant has not been reported in the literature or in a large population database (gnomAD), indicating this variant is rare. At this time, the clinical significance of this variant is uncertain due to the absence of conclusive functional and genetic evidence.

NM_017777.4(MKS1):c.914T>C (p.Met305Thr)

Gene: MKS1 (MKS transition zone complex subunit 1; minus strand). Cytogenetic location: 17q22.
Variant type: single nucleotide variant.
Coding change: c.914T>C on transcript NM_017777.4 (MANE Select); coding-DNA position 914, T replaced by C.
Protein change: p.Met305Thr; replaces methionine 305 with threonine.
Molecular consequence: missense variant.
Genome position (GRCh38, 1-based): chr17:58,212,379, A>G on the plus strand (T>C on the coding strand, the complement: MKS1 is on the minus strand). VCF-style: chr17-58212379-A-G. GRCh37 (hg19) VCF-style: chr17-56289740-A-G.
Other names: c.305T>C, p.Met102Thr (NM_001321268.2); c.914T>C, p.Met305Thr (NM_001321269.2, NM_001330397.2, NM_001411113.1); short protein forms M102T, M305T.
Identifiers: ClinVar variation 4983132 (VCV004983132.1).